The following is an entry in ClinVar:

ClinVar aggregate classification (germline): Uncertain significance (1 of 4 stars; one submission).

Conditions:
Benign neonatal seizures. Also called: Benign familial neonatal seizures; Convulsions benign familial neonatal dominant form; Autosomal dominant form of benign neonatal seizures; Benign neonatal familial convulsions; Benign familial neonatal epilepsy. Identifiers: Orphanet 1949, MedGen C0220669, MONDO:0016027.

Submission:

Labcorp Genetics (formerly Invitae), Labcorp
Classification: Uncertain significance for Benign neonatal seizures. Last evaluated: 2024-02-22. Review status: criteria provided, single submitter. Criteria: Invitae Variant Classification Sherloc (09022015). Collection method: clinical testing. Allele origin: germline.
Comment: This sequence change replaces arginine, which is basic and polar, with glycine, which is neutral and non-polar, at codon 780 of the KCNQ3 protein (p.Arg780Gly). This variant is not present in population databases (gnomAD no frequency). This variant has not been reported in the literature in individuals affected with KCNQ3-related conditions. Advanced modeling of protein sequence and biophysical properties (such as structural, functional, and spatial information, amino acid conservation, physicochemical variation, residue mobility, and thermodynamic stability) performed at Invitae indicates that this missense variant is not expected to disrupt KCNQ3 protein function with a negative predictive value of 95%. In summary, the available evidence is currently insufficient to determine the role of this variant in disease. Therefore, it has been classified as a Variant of Uncertain Significance.

NM_004519.4(KCNQ3):c.2338C>G (p.Arg780Gly)

Gene: KCNQ3 (potassium voltage-gated channel subfamily Q member 3; minus strand). Cytogenetic location: 8q24.22.
Variant type: single nucleotide variant.
Coding change: c.2338C>G on transcript NM_004519.4 (MANE Select); coding-DNA position 2338, C replaced by G.
Protein change: p.Arg780Gly; replaces arginine 780 with glycine.
Molecular consequence: missense variant.
Genome position (GRCh38, 1-based): chr8:132,129,543, G>C on the plus strand (C>G on the coding strand, the complement: KCNQ3 is on the minus strand). VCF-style: chr8-132129543-G-C. GRCh37 (hg19) VCF-style: chr8-133141790-G-C.
Other names: c.1978C>G, p.Arg660Gly (NM_001204824.2); short protein forms R780G, R660G.
Identifiers: ClinVar variation 3684140 (VCV003684140.2).